The following is an entry in ClinVar:

ClinVar aggregate classification (germline): Likely benign. Review status: criteria provided, multiple submitters, no conflicts (2 of 4 stars). 3 submissions from 3 submitters: Likely benign (2). 1 of the submissions does not count toward it. Last evaluated 2025-12-19.

Conditions:
Inborn genetic diseases. Identifiers: MedGen C0950123, MeSH D030342.
Dyskeratosis congenita, autosomal dominant 6 (DKCA6). Identifiers: Orphanet 3322, MedGen C4225284, MONDO:0014690, OMIM 616553.
ACD-related disorder. Also called: ACD-related condition.

Allele frequency attached by ClinVar (database versions not stated): gnomAD 0.00001; gnomAD exomes 0.00001 and 0.00002; TOPMed 0.00001; ExAC 0.00003; 1000 Genomes Project 30x 0.00016; 1000 Genomes Project 0.00020.
gnomAD v4.1: 11 of 1,614,182 alleles (0.00068%); highest among the groups gnomAD compares: East Asian, 0.011%; no homozygotes.

Submissions (3):

Labcorp Genetics (formerly Invitae), Labcorp
Classification: Likely benign for Dyskeratosis congenita, autosomal dominant 6. Last evaluated: 2025-12-19. Review status: criteria provided, single submitter. Criteria: Invitae Variant Classification Sherloc (09022015). Collection method: clinical testing. Allele origin: germline.

Ambry Genetics
Classification: Likely benign for Inborn genetic diseases. Last evaluated: 2022-04-08. Review status: criteria provided, single submitter. Criteria: Ambry Variant Classification Scheme 2023. Collection method: clinical testing. Allele origin: germline.

PreventionGenetics, part of Exact Sciences
Classification: Likely benign for ACD-related condition. Last evaluated: 2021-05-10. Review status: no assertion criteria provided. Collection method: clinical testing. Allele origin: germline. Not counted in ClinVar's aggregate classification.
Comment: This variant is classified as likely benign based on ACMG/AMP sequence variant interpretation guidelines (Richards et al. 2015 PMID: 25741868, with internal and published modifications).

NM_001082486.2(ACD):c.1314C>T (p.Leu438=)

Gene: ACD (ACD shelterin complex subunit and telomerase recruitment factor; minus strand). Cytogenetic location: 16q22.1.
Variant type: single nucleotide variant.
Coding change: c.1314C>T on transcript NM_001082486.2 (MANE Select); coding-DNA position 1314, C replaced by T.
Protein change: p.Leu438=; no amino-acid change (leucine 438 retained).
Molecular consequence: synonymous variant.
Genome position (GRCh38, 1-based): chr16:67,657,669, G>A on the plus strand (C>T on the coding strand, the complement: ACD is on the minus strand). VCF-style: chr16-67657669-G-A. GRCh37 (hg19) VCF-style: chr16-67691572-G-A.
Other names: c.1305C>T, p.Leu435= (NM_022914.3).
Identifiers: ClinVar variation 1124867 (VCV001124867.13), dbSNP rs528476326, ClinGen allele CA8114365.